The following is an entry in ClinVar:

ClinVar aggregate classification (germline): Benign/Likely benign. Review status: criteria provided, multiple submitters, no conflicts (2 of 4 stars). 8 submissions from 7 submitters: Benign (7); Likely benign (1). Last evaluated 2026-02-04.

Conditions:
Fibromuscular dysplasia, multifocal. Identifiers: MedGen C5543412, MONDO:0859151, OMIM 619329.
Ehlers-Danlos syndrome, classic type, 1 (EDSCL1). Also called: Ehlers-Danlos syndrome, type 1; EHLERS-DANLOS SYNDROME, GRAVIS TYPE; EHLERS-DANLOS SYNDROME, SEVERE CLASSIC TYPE; Ehlers-Danlos Syndrome, Classic Type, COL5A1-Related; EDS I. Identifiers: MedGen C0268335, MONDO:0019567, OMIM 130000.

Allele frequency attached by ClinVar (database versions not stated): 1000 Genomes Project 0.02037; 1000 Genomes Project 30x 0.02046; TOPMed 0.03864; gnomAD 0.04269 and 0.04340; ESP Exome Variant Server 0.04390.
gnomAD v4.1: 85,851 of 1,613,590 alleles (5.3%); highest among the groups gnomAD compares: Non-Finnish European, 6.1%; 2,527 homozygotes.

Submissions (8):

Labcorp Genetics (formerly Invitae), Labcorp
Classification: Benign for Ehlers-Danlos syndrome, classic type, 1. Last evaluated: 2026-02-04. Review status: criteria provided, single submitter. Criteria: Invitae Variant Classification Sherloc (09022015). Collection method: clinical testing. Allele origin: germline.

Blueprint Genetics
Classification: Benign. Last evaluated: 2024-11-27. Review status: criteria provided, single submitter. Criteria: ACMG Guidelines, 2015. Collection method: clinical testing. Allele origin: germline.

Genome-Nilou Lab
Classification: Benign for Ehlers-Danlos syndrome, classic type, 1. Last evaluated: 2022-03-15. Review status: criteria provided, single submitter. Criteria: ACMG Guidelines, 2015. Collection method: clinical testing. Allele origin: germline. Affected: no.

Genome-Nilou Lab
Classification: Benign for Fibromuscular dysplasia, multifocal. Last evaluated: 2022-03-15. Review status: criteria provided, single submitter. Criteria: ACMG Guidelines, 2015. Collection method: clinical testing. Allele origin: germline. Affected: no.

Women's Health and Genetics/Laboratory Corporation of America, LabCorp
Classification: Benign. Last evaluated: 2017-03-15. Review status: criteria provided, single submitter. Criteria: LabCorp Variant Classification Summary - May 2015. Collection method: clinical testing. Allele origin: germline.
Comment: Variant summary: The COL5A1 c.2745+15A>T variant involves the alteration of a non-conserved intronic nucleotide. 5/5 splice prediction tools predict elimination of a cryptic donor site. However, these predictions have yet to be confirmed by functional studies. This variant was found in 5658/120816 control chromosomes (186 homozygotes) at a frequency of 0.0468315, which is approximately 37465 times the estimated maximal expected allele frequency of a pathogenic COL5A1 variant (0.0000013), suggesting this variant is likely a benign polymorphism. In addition, multiple clinical diagnostic laboratories/reputable databases classified this variant as benign/likely benign. Taken together, this variant is classified as benign.

GeneDx
Classification: Benign. Last evaluated: 2012-11-02. Review status: criteria provided, single submitter. Criteria: GeneDx Variant Classification (06012015). Collection method: clinical testing. Allele origin: germline. Affected: yes.
Comment: This variant is considered likely benign or benign based on one or more of the following criteria: it is a conservative change, it occurs at a poorly conserved position in the protein, it is predicted to be benign by multiple in silico algorithms, and/or has population frequency not consistent with disease.

Breakthrough Genomics
Classification: Likely benign. Review status: criteria provided, single submitter. Criteria: ACMG Guidelines, 2015. Collection method: not provided. Allele origin: germline. Inheritance: Autosomal dominant inheritance. Affected: yes.

PreventionGenetics, part of Exact Sciences
Classification: Benign. Review status: criteria provided, single submitter. Criteria: ACMG Guidelines, 2015. Collection method: clinical testing. Allele origin: germline.

NM_000093.5(COL5A1):c.2745+15A>T

Gene: COL5A1 (collagen type V alpha 1 chain; plus strand). Cytogenetic location: 9q34.3.
Variant type: single nucleotide variant.
Coding change: c.2745+15A>T on transcript NM_000093.5 (MANE Select); 15 bases into the intron after coding-DNA position 2745, A replaced by T.
Molecular consequence: intron variant.
Genome position (GRCh38, 1-based): chr9:134,795,141, A>T. VCF-style: chr9-134795141-A-T. GRCh37 (hg19) VCF-style: chr9-137686987-A-T.
Other names: c.2745+15A>T (NM_001278074.1).
Identifiers: ClinVar variation 136870 (VCV000136870.16), dbSNP rs79481146, ClinGen allele CA290242.